The following is an entry in ClinVar:

NM_001385012.1(NBEA):c.6707del (p.Thr2235_Ser2236insTer)

Gene: NBEA (neurobeachin; plus strand). Cytogenetic location: 13q13.3.
Variant type: Deletion.
Coding change: c.6707del on transcript NM_001385012.1 (MANE Select); coding-DNA position 6707, one base deleted (C; older notation c.6707delC).
Protein change: p.Thr2235_Ser2236insTer.
Molecular consequence: nonsense.
Genome position (GRCh38, 1-based): chr13:35,550,933, C deleted. VCF-style (leftmost placement, unchanged base first): chr13-35550932-TC-T. GRCh37 (hg19) VCF-style: chr13-36125069-TC-T.
Other names: c.86del, p.Thr28_Ser29insTer (NM_001204197.3); c.6698del, p.Thr2232_Ser2233insTer (NM_001379245.1); c.6707del, p.Thr2235_Ser2236insTer (NM_015678.5).
Identifiers: ClinVar variation 2502843 (VCV002502843.2), dbSNP rs2549714620, ClinGen allele CA2580614707.

ClinVar aggregate classification (germline): Likely pathogenic (1 of 4 stars; one submission).

Conditions:
Neurodevelopmental disorder with or without early-onset generalized epilepsy. Identifiers: MedGen C5436914, MONDO:0030930, OMIM 619157.

Submission:

Center for Human Genetics and Genomic Medicine, Uniklinik Rwth Aachen
Classification: Likely pathogenic for Neurodevelopmental disorder with or without early-onset generalized epilepsy. Last evaluated: 2023-05-24. Review status: criteria provided, single submitter. Criteria: ACMG Guidelines, 2015. Collection method: clinical testing. Allele origin: unknown. Inheritance: Autosomal dominant inheritance. Affected: yes. Observed: 1 heterozygote.
Comment: The detected change is not reported in the general population (gnomAD) (as of May 24, 2023). It has not yet been described in the ClinVar database or in the literature. The variant results in a frameshift with a subsequent stop codon. This usually leads either to premature termination of the translation or "nonsense-mediated mRNA decay". In both cases, there is a loss of function of the protein. Intolerance to haploinsufficiency has been described as a pathomechanism for this gene. Therefore, a pathogenetic relevance can be assumed with high probability. The variant is currently to be regarded as a "likely pathogenic variant" (ACMG criteria).